The following is an entry in ClinVar:

ClinVar aggregate classification (germline): Uncertain significance (1 of 4 stars; one submission).

Submission:

Women's Health and Genetics/Laboratory Corporation of America, LabCorp
Classification: Uncertain significance. Last evaluated: 2024-10-15. Review status: criteria provided, single submitter. Criteria: LabCorp Variant Classification Summary - May 2015. Collection method: clinical testing. Allele origin: germline.
Comment: Variant summary: B9D2 c.498_505dupCAACTTCG (p.Asp169AlafsX46) causes a frameshift which results in an extension of the protein. The variant allele was found at a frequency of 1.6e-05 in 250822 control chromosomes (gnomAD). The available data on variant occurrences in the general population are insufficient to allow any conclusion about variant significance. c.498_505dupCAACTTCG has been reported in the literature in at least one individual affected with Kidney and/or genitourinary disorder (Rasouly_2019). The report does not provide unequivocal conclusions about association of the variant with Joubert Syndrome And Related Disorders. To our knowledge, no experimental evidence demonstrating an impact on protein function has been reported. The following publication have been ascertained in the context of this evaluation (PMID: 30476936). No submitters have cited clinical-significance assessments for this variant to ClinVar. Based on the evidence outlined above, the variant was classified as uncertain significance.

Literature cited by the submitters: PubMed 30476936.

NM_030578.4(B9D2):c.498_505dup (p.Asp169fs)

Gene: B9D2 (B9 domain containing 2; minus strand). Cytogenetic location: 19q13.2.
Variant type: Duplication.
Coding change: c.498_505dup on transcript NM_030578.4 (MANE Select); coding-DNA positions 498 to 505, 8 bases duplicated (CAACTTCG; older notation c.498_505dupCAACTTCG).
Protein change: p.Asp169fs; shifts the reading frame from aspartic acid 169.
Molecular consequence: frameshift variant.
Genome position (GRCh38, 1-based): chr19:41,354,723-41,354,730, CGAAGTTG duplicated on the plus strand (CAACTTCG on the coding strand, the reverse complement: B9D2 is on the minus strand); duplicating any 8 consecutive bases within chr19:41,354,723-41,354,732 gives the same sequence; the c. name uses the placement nearest the transcript's 3' end. VCF-style (leftmost placement, unchanged base first): chr19-41354722-T-TCGAAGTTG. GRCh37 (hg19) VCF-style: chr19-41860627-T-TCGAAGTTG.
Other names: c.498_505dupCAACTTCG (NM_030578.4); short protein forms D169fs.
Identifiers: ClinVar variation 3385298 (VCV003385298.1).